The following is an entry in ClinVar:

NM_024700.4(SNIP1):c.199G>A (p.Gly67Arg)

Genes: SNIP1 (Smad nuclear interacting protein 1; minus strand), LOC129930156 (ATAC-STARR-seq lymphoblastoid silent region 673; plus strand). Cytogenetic location: 1p34.3.
Variant type: single nucleotide variant.
Coding change: c.199G>A on transcript NM_024700.4 (MANE Select); coding-DNA position 199, G replaced by A.
Protein change: p.Gly67Arg; replaces glycine 67 with arginine.
Molecular consequence: missense variant.
Genome position (GRCh38, 1-based): chr1:37,554,031, C>T on the plus strand (G>A on the coding strand, the complement: SNIP1 is on the minus strand). VCF-style: chr1-37554031-C-T. GRCh37 (hg19) VCF-style: chr1-38019632-C-T.
Other names: short protein forms G67R.
Identifiers: ClinVar variation 1365990 (VCV001365990.6), dbSNP rs1643332059, ClinGen allele CA339429741.

ClinVar aggregate classification (germline): Uncertain significance (1 of 4 stars; one submission).

Submission:

Labcorp Genetics (formerly Invitae), Labcorp
Classification: Uncertain significance. Last evaluated: 2022-02-09. Review status: criteria provided, single submitter. Criteria: Invitae Variant Classification Sherloc (09022015). Collection method: clinical testing. Allele origin: germline.
Comment: In summary, the available evidence is currently insufficient to determine the role of this variant in disease. Therefore, it has been classified as a Variant of Uncertain Significance. Algorithms developed to predict the effect of sequence changes on RNA splicing suggest that this variant may create or strengthen a splice site. Algorithms developed to predict the effect of missense changes on protein structure and function are either unavailable or do not agree on the potential impact of this missense change (SIFT: "Deleterious"; PolyPhen-2: "Possibly Damaging"; Align-GVGD: "Class C0"). This variant has not been reported in the literature in individuals affected with SNIP1-related conditions. This variant is not present in population databases (gnomAD no frequency). This sequence change replaces glycine, which is neutral and non-polar, with arginine, which is basic and polar, at codon 67 of the SNIP1 protein (p.Gly67Arg).